The following is an entry in ClinVar:

NM_000059.4(BRCA2):c.2363G>A (p.Gly788Asp)

Gene: BRCA2 (BRCA2 DNA repair associated; plus strand). Cytogenetic location: 13q13.1.
Variant type: single nucleotide variant.
Coding change: c.2363G>A on transcript NM_000059.4 (MANE Select); coding-DNA position 2363, G replaced by A.
Protein change: p.Gly788Asp; replaces glycine 788 with aspartic acid.
Molecular consequence: missense variant.
Genome position (GRCh38, 1-based): chr13:32,336,718, G>A. VCF-style: chr13-32336718-G-A. GRCh37 (hg19) VCF-style: chr13-32910855-G-A.
Other names: short protein forms G788D.
Identifiers: ClinVar variation 265054 (VCV000265054.13), dbSNP rs886039316, ClinGen allele CA10588561.

ClinVar aggregate classification (germline): Conflicting classifications of pathogenicity. Review status: criteria provided, conflicting classifications (1 of 4 stars). 4 submissions from 4 submitters: Uncertain significance (2); Likely benign (2). Last evaluated 2024-12-23.

Conditions:
Hereditary cancer-predisposing syndrome. Also called: Neoplastic Syndromes, Hereditary; Hereditary neoplastic syndrome; Hereditary Cancer Syndrome; Tumor predisposition. Identifiers: Orphanet 140162, MedGen C0027672, MeSH D009386, MONDO:0015356.
Hereditary breast ovarian cancer syndrome. Also called: Hereditary breast and ovarian cancer syndrome (HBOC); Hereditary breast and ovarian cancer syndrome; Hereditary breast and ovarian cancer; Breast and ovarian cancer; BRCA1- and BRCA2-Associated Hereditary Breast and Ovarian Cancer; Hereditary breast and/or ovarian cancer syndrome. Identifiers: Orphanet 145, MedGen C0677776, MeSH D061325, MONDO:0003582. Disease mechanism: loss of function.

Allele frequency attached by ClinVar (database versions not stated): TOPMed below 0.00001; gnomAD exomes 0.00001.
gnomAD v4.1: 11 of 1,613,926 alleles (0.00068%); highest among the groups gnomAD compares: Admixed American, 0.0017%; no homozygotes.

Submissions (4):

Ambry Genetics
Classification: Likely benign for Hereditary cancer-predisposing syndrome. Last evaluated: 2024-12-23. Review status: criteria provided, single submitter. Criteria: Ambry Variant Classification Scheme 2023. Collection method: clinical testing. Allele origin: germline.

Labcorp Genetics (formerly Invitae), Labcorp
Classification: Uncertain significance for Hereditary breast ovarian cancer syndrome. Last evaluated: 2024-03-08. Review status: criteria provided, single submitter. Criteria: Invitae Variant Classification Sherloc (09022015). Collection method: clinical testing. Allele origin: germline.
Comment: This sequence change replaces glycine, which is neutral and non-polar, with aspartic acid, which is acidic and polar, at codon 788 of the BRCA2 protein (p.Gly788Asp). This variant is not present in population databases (gnomAD no frequency). This missense change has been observed in individual(s) with breast cancer and/or ovarian cancer (PMID: 19471317). ClinVar contains an entry for this variant (Variation ID: 265054). Advanced modeling of protein sequence and biophysical properties (such as structural, functional, and spatial information, amino acid conservation, physicochemical variation, residue mobility, and thermodynamic stability) performed at Invitae indicates that this missense variant is not expected to disrupt BRCA2 protein function with a negative predictive value of 95%. In summary, the available evidence is currently insufficient to determine the role of this variant in disease. Therefore, it has been classified as a Variant of Uncertain Significance.

University of Washington Department of Laboratory Medicine, University of Washington
Classification: Likely benign for Hereditary cancer-predisposing syndrome. Last evaluated: 2023-03-23. Review status: criteria provided, single submitter. Criteria: Dines et al. (Genet Med. 2020). Collection method: curation. Allele origin: germline.
Comment: Missense variant in a coldspot region where missense variants are very unlikely to be pathogenic (PMID:31911673).

BRCA2 exon 11 coldspot. Reclassification based on statistical prior probability.

GeneDx
Classification: Uncertain significance. Last evaluated: 2016-04-13. Review status: criteria provided, single submitter. Criteria: GeneDx Variant Classification (06012015). Collection method: clinical testing. Allele origin: germline. Affected: yes.
Comment: This variant is denoted BRCA2 c.2363G>A at the cDNA level, p.Gly788Asp (G788D) at the protein level, and results in the change of a Glycine to an Aspartic Acid (GGC>GAC). Using alternate nomenclature, this variant would be defined as BRCA2 2591G>A. This variant was identified in at least one individual with a personal and/or family history of cancer suggestive of hereditary breast and ovarian cancer syndrome (Caux-Moncoutier 2009). BRCA2 Gly788Asp was not observed in approximately 6,500 individuals of European and African American ancestry in the NHLBI Exome Sequencing Project, suggesting it is not a common benign variant in these populations. Since Glycine and Aspartic Acid differ in polarity, charge, size or other properties, this is considered a non-conservative amino acid substitution. BRCA2 Gly788Asp occurs at a position that is not conserved and is not located within a known functional domain. In silico analyses predict that this variant is unlikely to alter protein structure or function. Based on currently available information, it is unclear whether BRCA2 Gly788Asp is pathogenic or benign. We consider it to be a variant of uncertain significance.

Literature cited by the submitters: PubMed 19471317 (cited by Ambry Genetics and Labcorp Genetics (formerly Invitae), Labcorp).